The following is an entry in ClinVar:

NM_001572.5(IRF7):c.607dup (p.Ala203fs)

Gene: IRF7 (interferon regulatory factor 7; minus strand). Cytogenetic location: 11p15.5.
Variant type: Duplication.
Coding change: c.607dup on transcript NM_001572.5 (MANE Select); coding-DNA position 607, one base duplicated (G; older notation c.607dupG).
Protein change: p.Ala203fs; shifts the reading frame from alanine 203.
Molecular consequence: frameshift variant.
Genome position (GRCh38, 1-based): chr11:614,246, C duplicated on the plus strand (G on the coding strand, the reverse complement: IRF7 is on the minus strand); the first of 6 consecutive C bases (chr11:614,246-614,251); duplicating any one gives the same sequence. VCF-style (leftmost placement, unchanged base first): chr11-614245-G-GC. GRCh37 (hg19) VCF-style: chr11-614245-G-GC.
Other names: c.607dup, p.Ala203fs (NM_004029.4); c.646dup, p.Ala216fs (NM_004031.4); short protein forms A203fs, A216fs.
Identifiers: ClinVar variation 944746 (VCV000944746.8), dbSNP rs746222183, ClinGen allele CA5783893.

ClinVar aggregate classification (germline): Uncertain significance. Review status: criteria provided, multiple submitters, no conflicts (2 of 4 stars). 2 submissions from 2 submitters: Uncertain significance (2). Last evaluated 2025-10-15.

Conditions:
Immunodeficiency 39 (IMD39). Identifiers: Orphanet 574918, MedGen C4225358, MONDO:0014597, OMIM 616345.

Submissions (2):

Labcorp Genetics (formerly Invitae), Labcorp
Classification: Uncertain significance for Immunodeficiency 39. Last evaluated: 2025-10-15. Review status: criteria provided, single submitter. Criteria: Invitae Variant Classification Sherloc (09022015). Collection method: clinical testing. Allele origin: germline.
Comment: This sequence change creates a premature translational stop signal (p.Ala216Glyfs*199) in the IRF7 gene. It is expected to result in an absent or disrupted protein product. However, the current clinical and genetic evidence is not sufficient to establish whether loss-of-function variants in IRF7 cause disease. This variant is present in population databases (rs746222183, gnomAD 0.01%). This variant has not been reported in the literature in individuals affected with IRF7-related conditions. ClinVar contains an entry for this variant (Variation ID: 944746). In summary, the available evidence is currently insufficient to determine the role of this variant in disease. Therefore, it has been classified as a Variant of Uncertain Significance.

Blueprint Genetics
Classification: Uncertain significance. Last evaluated: 2024-11-11. Review status: criteria provided, single submitter. Criteria: ACMG Guidelines, 2015. Collection method: clinical testing. Allele origin: germline.